The following is an entry in ClinVar:

NM_005909.5(MAP1B):c.4316C>T (p.Pro1439Leu)

Gene: MAP1B (microtubule associated protein 1B; plus strand). Cytogenetic location: 5q13.2.
Variant type: single nucleotide variant.
Coding change: c.4316C>T on transcript NM_005909.5 (MANE Select); coding-DNA position 4316, C replaced by T.
Protein change: p.Pro1439Leu; replaces proline 1439 with leucine.
Molecular consequence: missense variant.
Genome position (GRCh38, 1-based): chr5:72,197,671, C>T. VCF-style: chr5-72197671-C-T. GRCh37 (hg19) VCF-style: chr5-71493498-C-T.
Other names: c.3938C>T, p.Pro1313Leu (NM_001324255.2); c.4316C>T (NM_005909.4); short protein forms P1439L, P1313L.
Identifiers: ClinVar variation 4103032 (VCV004103032.2).

ClinVar aggregate classification (germline): Likely benign. Review status: criteria provided, multiple submitters, no conflicts (2 of 4 stars). 2 submissions from 2 submitters: Likely benign (2). Last evaluated 2025-11-01.

Conditions:
MAP1B-related disorder. Also called: MAP1B-related condition.
Inborn genetic diseases. Identifiers: MedGen C0950123, MeSH D030342.

gnomAD v4.1: 74 of 1,614,034 alleles (0.0046%); highest among the groups gnomAD compares: African/African-American, 0.089%; no homozygotes.

Submissions (2):

PreventionGenetics, part of Exact Sciences
Classification: Likely benign for MAP1B-related condition. Last evaluated: 2025-11-01. Review status: criteria provided, single submitter. Criteria: ACMG Guidelines, 2015. Collection method: clinical testing. Allele origin: germline.
Comment: This variant is classified as likely benign based on ACMG/AMP sequence variant interpretation guidelines (Richards et al. 2015 PMID: 25741868, with internal and published modifications).

Ambry Genetics
Classification: Likely benign for Inborn genetic diseases. Last evaluated: 2025-09-10. Review status: criteria provided, single submitter. Criteria: Ambry Variant Classification Scheme 2023. Collection method: clinical testing. Allele origin: germline.